The following is an entry in ClinVar:

ClinVar aggregate classification (germline): Uncertain significance (1 of 4 stars; one submission).

Conditions:
Bethlem myopathy 1A. Also called: MYOPATHY, BENIGN CONGENITAL, WITH CONTRACTURES; Bethlem myopathy 1; Bethlem Muscular Dystrophy. Identifiers: Orphanet 610, MedGen CN029274, MONDO:0024530, OMIM 158810.

gnomAD v4.1: 2 of 1,548,606 alleles (0.00013%); highest among the groups gnomAD compares: Non-Finnish European, 0.000087%; no homozygotes.

Submission:

Labcorp Genetics (formerly Invitae), Labcorp
Classification: Uncertain significance for Bethlem myopathy 1A. Last evaluated: 2024-11-07. Review status: criteria provided, single submitter. Criteria: Invitae Variant Classification Sherloc (09022015). Collection method: clinical testing. Allele origin: germline.
Comment: This sequence change replaces alanine, which is neutral and non-polar, with valine, which is neutral and non-polar, at codon 190 of the COL6A1 protein (p.Ala190Val). This variant is not present in population databases (gnomAD no frequency). This variant has not been reported in the literature in individuals affected with COL6A1-related conditions. Invitae Evidence Modeling of protein sequence and biophysical properties (such as structural, functional, and spatial information, amino acid conservation, physicochemical variation, residue mobility, and thermodynamic stability) indicates that this missense variant is not expected to disrupt COL6A1 protein function with a negative predictive value of 95%. In summary, the available evidence is currently insufficient to determine the role of this variant in disease. Therefore, it has been classified as a Variant of Uncertain Significance.

NM_001848.3(COL6A1):c.569C>T (p.Ala190Val)

Gene: COL6A1 (collagen type VI alpha 1 chain; plus strand). Cytogenetic location: 21q22.3.
Variant type: single nucleotide variant.
Coding change: c.569C>T on transcript NM_001848.3 (MANE Select); coding-DNA position 569, C replaced by T.
Protein change: p.Ala190Val; replaces alanine 190 with valine.
Molecular consequence: missense variant.
Genome position (GRCh38, 1-based): chr21:45,986,666, C>T. VCF-style: chr21-45986666-C-T. GRCh37 (hg19) VCF-style: chr21-47406580-C-T.
Other names: short protein forms A190V.
Identifiers: ClinVar variation 3668649 (VCV003668649.2).
Genomic context (GRCh38, chr21:45,986,666, plus strand): 5'-GGGGGCTGGAGGATGCTGTGAACGAGGCCAAGCACCTGGGCGTCAAAGTCTTCTCGGTGG[C>T]CATCACACCCGACCACCTGGTAGGCACCGGCCCCCCCCGGCAGATGCCCCCAACCACAGG-3'
Protein context (NP_001839.2, residues 180-200): KHLGVKVFSV[Ala190Val]ITPDHLEPRL